The following is an entry in ClinVar:

ClinVar aggregate classification (germline): Pathogenic (1 of 4 stars; one submission).

gnomAD v4.1: 2 of 1,610,708 alleles (0.00012%); highest among the groups gnomAD compares: Non-Finnish European, 0.00017%; no homozygotes.

Submission:

Labcorp Genetics (formerly Invitae), Labcorp
Classification: Pathogenic. Last evaluated: 2024-12-29. Review status: criteria provided, single submitter. Criteria: Invitae Variant Classification Sherloc (09022015). Collection method: clinical testing. Allele origin: germline.
Comment: This sequence change creates a premature translational stop signal (p.Gln530*) in the PCDH15 gene. It is expected to result in an absent or disrupted protein product. Loss-of-function variants in PCDH15 are known to be pathogenic (PMID: 11398101, 11487575, 14570705). This variant is not present in population databases (gnomAD no frequency). This variant has not been reported in the literature in individuals affected with PCDH15-related conditions. For these reasons, this variant has been classified as Pathogenic.

Literature cited by the submitters: PubMed 11398101; PubMed 11487575; PubMed 14570705.

NM_001384140.1(PCDH15):c.1588C>T (p.Gln530Ter)

Gene: PCDH15 (protocadherin related 15; minus strand). Cytogenetic location: 10q21.1.
Variant type: single nucleotide variant.
Coding change: c.1588C>T on transcript NM_001384140.1 (MANE Select); coding-DNA position 1588, C replaced by T.
Protein change: p.Gln530Ter; replaces glutamine 530 with a stop codon.
Molecular consequence: nonsense.
Genome position (GRCh38, 1-based): chr10:54,183,446, G>A on the plus strand (C>T on the coding strand, the complement: PCDH15 is on the minus strand). VCF-style: chr10-54183446-G-A. GRCh37 (hg19) VCF-style: chr10-55943206-G-A.
Other names: c.1603C>T, p.Gln535Ter (NM_001142763.2, NM_001142771.2); c.1588C>T, p.Gln530Ter (NM_001142764.2, NM_001142765.2, NM_001142766.2 and 6 more transcripts); c.1477C>T, p.Gln493Ter (NM_001142767.2); c.1522C>T, p.Gln508Ter (NM_001142768.2, NM_001142773.2, NM_001354404.2); c.1624C>T, p.Gln542Ter (NM_001142769.4); c.1609C>T, p.Gln537Ter (NM_001354411.2); short protein forms Q493*, Q535*, Q530*, Q537*, Q508*, Q542*.
Identifiers: ClinVar variation 3718348 (VCV003718348.2).